The following is an entry in ClinVar:

NM_004092.4(ECHS1):c.240G>A (p.Pro80=)

Gene: ECHS1 (enoyl-CoA hydratase, short chain 1; minus strand). Cytogenetic location: 10q26.3.
Variant type: single nucleotide variant.
Coding change: c.240G>A on transcript NM_004092.4 (MANE Select); coding-DNA position 240, G replaced by A.
Protein change: p.Pro80=; no amino-acid change (proline 80 retained).
Molecular consequence: synonymous variant.
Genome position (GRCh38, 1-based): chr10:133,370,606, C>T on the plus strand (G>A on the coding strand, the complement: ECHS1 is on the minus strand). VCF-style: chr10-133370606-C-T. GRCh37 (hg19) VCF-style: chr10-135184110-C-T.
Identifiers: ClinVar variation 386290 (VCV000386290.38), dbSNP rs35775473, ClinGen allele CA5765845.

ClinVar aggregate classification (germline): Benign/Likely benign. Review status: criteria provided, multiple submitters, no conflicts (2 of 4 stars). 6 submissions from 6 submitters: Benign (4); Likely benign (2). Last evaluated 2026-06-01.

Conditions:
Mitochondrial short-chain Enoyl-Coa hydratase 1 deficiency. Also called: PxMD-ECHS1; ECHS1 deficiency; Mitochondrial Short-Chain Enoyl-CoA Hydratase Deficiency. Identifiers: Orphanet 255241, Orphanet 653880, MedGen C4225391, MONDO:0014563, OMIM 616277.

Allele frequency attached by ClinVar (database versions not stated): ExAC 0.00180; gnomAD 0.00353 and 0.00380; TOPMed 0.00413; ESP Exome Variant Server 0.00546; 1000 Genomes Project 30x 0.00562; 1000 Genomes Project 0.00579; gnomAD exomes 0.00117.
gnomAD v4.1: 1,244 of 1,610,764 alleles (0.077%); highest among the groups gnomAD compares: African/African-American, 1.3%; 10 homozygotes.

Submissions (6):

CeGaT Center for Human Genetics Tuebingen
Classification: Likely benign. Last evaluated: 2026-06-01. Review status: criteria provided, single submitter. Criteria: CeGaT Center For Human Genetics Tuebingen Variant Classification Criteria Version 2. Collection method: clinical testing. Allele origin: germline. Affected: yes. Observed: 2 variant alleles.
Comment: ECHS1: BP4, BP7, BS1

Labcorp Genetics (formerly Invitae), Labcorp
Classification: Benign. Last evaluated: 2026-01-21. Review status: criteria provided, single submitter. Criteria: Invitae Variant Classification Sherloc (09022015). Collection method: clinical testing. Allele origin: germline.

Blueprint Genetics
Classification: Likely benign. Last evaluated: 2024-11-26. Review status: criteria provided, single submitter. Criteria: ACMG Guidelines, 2015. Collection method: clinical testing. Allele origin: germline.

ARUP Laboratories, Molecular Genetics and Genomics, ARUP Laboratories
Classification: Benign for Mitochondrial short-chain Enoyl-Coa hydratase 1 deficiency. Last evaluated: 2023-09-11. Review status: criteria provided, single submitter. Criteria: ARUP Molecular Germline Variant Investigation Process 2024. Collection method: clinical testing. Allele origin: germline.

GeneDx
Classification: Benign. Last evaluated: 2019-12-23. Review status: criteria provided, single submitter. Criteria: GeneDx Variant Classification Process June 2021. Collection method: clinical testing. Allele origin: germline. Affected: yes.

Breakthrough Genomics
Classification: Benign. Review status: criteria provided, single submitter. Criteria: ACMG Guidelines, 2015. Collection method: not provided. Allele origin: germline. Inheritance: Autosomal recessive inheritance. Affected: yes.